The following is an entry in ClinVar:

NM_002768.5(CHMP1A):c.160C>T (p.Arg54Cys)

Gene: CHMP1A (charged multivesicular body protein 1A; minus strand). Cytogenetic location: 16q24.3.
Variant type: single nucleotide variant.
Coding change: c.160C>T on transcript NM_002768.5 (MANE Select); coding-DNA position 160, C replaced by T.
Protein change: p.Arg54Cys; replaces arginine 54 with cysteine.
Molecular consequence: missense variant. On other transcripts: non-coding transcript variant (1).
Genome position (GRCh38, 1-based): chr16:89,649,443, G>A on the plus strand (C>T on the coding strand, the complement: CHMP1A is on the minus strand). VCF-style: chr16-89649443-G-A. GRCh37 (hg19) VCF-style: chr16-89715851-G-A.
Other names: c.140C>T, p.Pro47Leu (NM_001083314.4); c.140C>T (NM_001083314.1); short protein forms P47L, R54C.
Identifiers: ClinVar variation 2682217 (VCV002682217.2), dbSNP rs185258649, ClinGen allele CA8247122.

ClinVar aggregate classification (germline): Uncertain significance. Review status: criteria provided, multiple submitters, no conflicts (2 of 4 stars). 2 submissions from 2 submitters: Uncertain significance (2). Last evaluated 2023-11-21.

Conditions:
Inborn genetic diseases. Identifiers: MedGen C0950123, MeSH D030342.

Allele frequency attached by ClinVar (database versions not stated): TOPMed 0.00003; gnomAD 0.00005; ExAC 0.00011; 1000 Genomes Project 30x 0.00031; 1000 Genomes Project 0.00040.
gnomAD v4.1: 101 of 1,613,740 alleles (0.0063%); highest among the groups gnomAD compares: East Asian, 0.033%; no homozygotes.

Submissions (2):

Women's Health and Genetics/Laboratory Corporation of America, LabCorp
Classification: Uncertain significance. Last evaluated: 2023-11-21. Review status: criteria provided, single submitter. Criteria: LabCorp Variant Classification Summary - May 2015. Collection method: clinical testing. Allele origin: germline.
Comment: Variant summary: CHMP1A c.160C>T (p.Arg54Cys) results in a non-conservative amino acid change in the encoded protein sequence. Three of five in-silico tools predict a damaging effect of the variant on protein function. The variant allele was found at a frequency of 9.2e-05 in 248754 control chromosomes. This frequency is not significantly higher than estimated for a pathogenic variant in CHMP1A causing Pontocerebellar Hypoplasia, Type 8 (9.2e-05 vs 0.0011), allowing no conclusion about variant significance. Although reported as a de-novo observation in at-least one individual with autism (and possible cohort overlap), to our knowledge, no occurrence of c.160C>T in individuals affected with autosomal recessive Pontocerebellar Hypoplasia, Type 8 and no experimental evidence demonstrating its impact on protein function have been reported. The following publications have been ascertained in the context of this evaluation (PMID: 35982160, 28714951, 31785789, 35982159). No submitters have cited clinical-significance assessments for this variant to ClinVar after 2014. Based on the evidence outlined above, the variant was classified as uncertain significance.

Ambry Genetics
Classification: Uncertain significance for Inborn genetic diseases. Last evaluated: 2022-03-10. Review status: criteria provided, single submitter. Criteria: Ambry Variant Classification Scheme 2023. Collection method: clinical testing. Allele origin: germline.

Literature cited by the submitters: PubMed 31785789 (cited by Women's Health and Genetics/Laboratory Corporation of America, LabCorp); PubMed 28714951 (cited by Women's Health and Genetics/Laboratory Corporation of America, LabCorp); PubMed 35982160 (cited by Women's Health and Genetics/Laboratory Corporation of America, LabCorp); PubMed 35982159 (cited by Women's Health and Genetics/Laboratory Corporation of America, LabCorp).